The following is an entry in ClinVar:

NM_020320.5(RARS2):c.1415+1G>T

Gene: RARS2 (arginyl-tRNA synthetase 2, mitochondrial; minus strand). Cytogenetic location: 6q15.
Variant type: single nucleotide variant.
Coding change: c.1415+1G>T on transcript NM_020320.5 (MANE Select); the canonical splice donor site of the intron after coding-DNA position 1415, G replaced by T.
Molecular consequence: splice donor variant.
Genome position (GRCh38, 1-based): chr6:87,518,629, C>A on the plus strand (G>T on the coding strand, the complement: RARS2 is on the minus strand). VCF-style: chr6-87518629-C-A. GRCh37 (hg19) VCF-style: chr6-88228347-C-A.
Other names: c.1415+1G>T (NM_001350505.2, NM_020320.4); c.890+1G>T (NM_001350509.2, NM_001318785.2, NM_001350506.2 and 4 more transcripts).
Identifiers: ClinVar variation 3594170 (VCV003594170.3).

ClinVar aggregate classification (germline): Likely pathogenic. Review status: criteria provided, multiple submitters, no conflicts (2 of 4 stars). 2 submissions from 2 submitters: Likely pathogenic (2). Last evaluated 2025-03-24.

Conditions:
Pontocerebellar hypoplasia type 6 (PCH6). Identifiers: Orphanet 166073, MedGen C1969084, MONDO:0012683, OMIM 611523.

Submissions (2):

Natera, Inc.
Classification: Likely pathogenic for Pontocerebellar hypoplasia, type 6. Last evaluated: 2025-03-24. Review status: criteria provided, single submitter. Criteria: Natera Variant Classification Schema (03/2026). Collection method: clinical testing. Allele origin: germline.
Comment: The c.1415+1G>T variant in RARS2 is a canonical splice donor site variant predicted to affect pre-mRNA splicing, which may result in an abnormal transcript and altered protein product. This variant is expected to result in nonsense mediated decay, truncation, or a dysfunctional protein product. This variant is rare in the general population with a frequency below the threshold expected for the associated phenotype(s). Given the available evidence, this variant is classified as Likely Pathogenic.

Fulgent Genetics
Classification: Likely pathogenic for Pontocerebellar hypoplasia type 6. Last evaluated: 2024-06-07. Review status: criteria provided, single submitter. Criteria: ACMG Guidelines, 2015. Collection method: clinical testing. Allele origin: germline.